The following is an entry in ClinVar:

ClinVar aggregate classification (germline): Uncertain significance (1 of 4 stars; one submission).

Conditions:
Saldino-Mainzer syndrome (SRTD9). Also called: CONORENAL SYNDROME; Renal dysplasia, retinal pigmentary dystrophy, cerebellar ataxia and skeletal dysplasia; SHORT-RIB THORACIC DYSPLASIA 9 WITHOUT POLYDACTYLY; short-rib thoracic dysplasia 9 with or without polydactyly. Identifiers: Orphanet 140969, MedGen C1849437, MONDO:0009964, OMIM 266920.

Submission:

Labcorp Genetics (formerly Invitae), Labcorp
Classification: Uncertain significance for Saldino-Mainzer syndrome. Last evaluated: 2023-07-21. Review status: criteria provided, single submitter. Criteria: Invitae Variant Classification Sherloc (09022015). Collection method: clinical testing. Allele origin: germline.
Comment: This sequence change replaces tyrosine, which is neutral and polar, with phenylalanine, which is neutral and non-polar, at codon 1379 of the IFT140 protein (p.Tyr1379Phe). This variant is not present in population databases (gnomAD no frequency). This variant has not been reported in the literature in individuals affected with IFT140-related conditions. ClinVar contains an entry for this variant (Variation ID: 2001904). Advanced modeling of protein sequence and biophysical properties (such as structural, functional, and spatial information, amino acid conservation, physicochemical variation, residue mobility, and thermodynamic stability) performed at Invitae indicates that this missense variant is not expected to disrupt IFT140 protein function. In summary, the available evidence is currently insufficient to determine the role of this variant in disease. Therefore, it has been classified as a Variant of Uncertain Significance.

NM_014714.4(IFT140):c.4136A>T (p.Tyr1379Phe)

Gene: IFT140 (intraflagellar transport 140; minus strand). Cytogenetic location: 16p13.3.
Variant type: single nucleotide variant.
Coding change: c.4136A>T on transcript NM_014714.4 (MANE Select); coding-DNA position 4136, A replaced by T.
Protein change: p.Tyr1379Phe; replaces tyrosine 1379 with phenylalanine.
Molecular consequence: missense variant.
Genome position (GRCh38, 1-based): chr16:1,518,262, T>A on the plus strand (A>T on the coding strand, the complement: IFT140 is on the minus strand). VCF-style: chr16-1518262-T-A. GRCh37 (hg19) VCF-style: chr16-1568263-T-A.
Other names: short protein forms Y1379F.
Identifiers: ClinVar variation 2001904 (VCV002001904.4), dbSNP rs117433764, ClinGen allele CA394223643.